The following is an entry in ClinVar:

ClinVar aggregate classification (germline): Uncertain significance (1 of 4 stars; one submission).

Conditions:
Hypertrophic cardiomyopathy 26. Also called: Cardiomyopathy, familial hypertrophic, 26. Identifiers: Orphanet 75249, MedGen C4310749, MONDO:0014883, OMIM 617047.
Myofibrillar myopathy 5. Also called: Filaminopathy (type); FILAMINOPATHY, AUTOSOMAL DOMINANT. Identifiers: Orphanet 171445, MedGen C1836050, MONDO:0012289, OMIM 609524.
Distal myopathy with posterior leg and anterior hand involvement. Also called: WILLIAMS DISTAL MYOPATHY. Identifiers: Orphanet 63273, MedGen C3279722, MONDO:0013550, OMIM 614065.

Submission:

Labcorp Genetics (formerly Invitae), Labcorp
Classification: Uncertain significance for Distal myopathy with posterior leg and anterior hand involvement; Myofibrillar myopathy 5; Hypertrophic cardiomyopathy 26. Last evaluated: 2025-07-29. Review status: criteria provided, single submitter. Criteria: Invitae Variant Classification Sherloc (09022015). Collection method: clinical testing. Allele origin: germline.
Comment: This sequence change replaces glycine, which is neutral and non-polar, with arginine, which is basic and polar, at codon 481 of the FLNC protein (p.Gly481Arg). This variant is not present in population databases (gnomAD no frequency). This variant has not been reported in the literature in individuals affected with FLNC-related conditions. Invitae Evidence Modeling of protein sequence and biophysical properties (such as structural, functional, and spatial information, amino acid conservation, physicochemical variation, residue mobility, and thermodynamic stability) has been performed for this missense variant. However, the output from this modeling did not meet the statistical confidence thresholds required to predict the impact of this variant on FLNC protein function. In summary, the available evidence is currently insufficient to determine the role of this variant in disease. Therefore, it has been classified as a Variant of Uncertain Significance.

NM_001458.5(FLNC):c.1441G>C (p.Gly481Arg)

Gene: FLNC (filamin C; plus strand). Cytogenetic location: 7q32.1.
Variant type: single nucleotide variant.
Coding change: c.1441G>C on transcript NM_001458.5 (MANE Select); coding-DNA position 1441, G replaced by C.
Protein change: p.Gly481Arg; replaces glycine 481 with arginine.
Molecular consequence: missense variant.
Genome position (GRCh38, 1-based): chr7:128,840,052, G>C. VCF-style: chr7-128840052-G-C. GRCh37 (hg19) VCF-style: chr7-128480106-G-C.
Other names: c.1441G>C, p.Gly481Arg (NM_001127487.2); short protein forms G481R.
Identifiers: ClinVar variation 4812404 (VCV004812404.1).
Genomic context (GRCh38, chr7:128,840,052, plus strand): 5'-ACCCCCAACCTCCTTTCTCTTCCTCCCCTAGCCTGTAACCCCAACGCCTGCCGCGCCTCT[G>C]GGCGAGGCCTGCAGCCCAAGGGTGTTCGCGTGAAAGAGGTGGCTGACTTCAAGGTGTTTA-3'
Protein context (NP_001449.3, residues 471-491): ACNPNACRAS[Gly481Arg]RGLQPKGVRV